The following is an entry in ClinVar:

NM_000760.4(CSF3R):c.1757T>C (p.Val586Ala)

Gene: CSF3R (colony stimulating factor 3 receptor; minus strand). Cytogenetic location: 1p34.3.
Variant type: single nucleotide variant.
Coding change: c.1757T>C on transcript NM_000760.4 (MANE Select); coding-DNA position 1757, T replaced by C.
Protein change: p.Val586Ala; replaces valine 586 with alanine.
Molecular consequence: missense variant.
Genome position (GRCh38, 1-based): chr1:36,467,929, A>G on the plus strand (T>C on the coding strand, the complement: CSF3R is on the minus strand). VCF-style: chr1-36467929-A-G. GRCh37 (hg19) VCF-style: chr1-36933530-A-G.
Other names: c.1757T>C, p.Val586Ala (NM_156039.3, NM_172313.3); short protein forms V586A.
Identifiers: ClinVar variation 1425955 (VCV001425955.8), dbSNP rs1650440390, ClinGen allele CA339417923.

ClinVar aggregate classification (germline): Uncertain significance (1 of 4 stars; one submission).

Conditions:
Autosomal recessive severe congenital neutropenia due to CSF3R deficiency. Also called: Neutropenia, severe congenital, 7, autosomal recessive. Identifiers: Orphanet 420702, MedGen C4310764, MONDO:0014865, OMIM 617014.

Allele frequency attached by ClinVar (database versions not stated): gnomAD 0.00001.
gnomAD v4.1: 1 of 1,614,086 alleles (0.000062%); highest among the groups gnomAD compares: Non-Finnish European, 0.000085%; no homozygotes.

Submission:

Labcorp Genetics (formerly Invitae), Labcorp
Classification: Uncertain significance for Autosomal recessive severe congenital neutropenia due to CSF3R deficiency. Last evaluated: 2024-02-03. Review status: criteria provided, single submitter. Criteria: Invitae Variant Classification Sherloc (09022015). Collection method: clinical testing. Allele origin: germline.
Comment: This sequence change replaces valine, which is neutral and non-polar, with alanine, which is neutral and non-polar, at codon 586 of the CSF3R protein (p.Val586Ala). This variant is not present in population databases (gnomAD no frequency). This variant has not been reported in the literature in individuals affected with CSF3R-related conditions. ClinVar contains an entry for this variant (Variation ID: 1425955). Advanced modeling of protein sequence and biophysical properties (such as structural, functional, and spatial information, amino acid conservation, physicochemical variation, residue mobility, and thermodynamic stability) performed at Invitae indicates that this missense variant is expected to disrupt CSF3R protein function with a positive predictive value of 80%. In summary, the available evidence is currently insufficient to determine the role of this variant in disease. Therefore, it has been classified as a Variant of Uncertain Significance.